The following is an entry in ClinVar:

ClinVar aggregate classification (germline): Uncertain significance (1 of 4 stars; one submission).

Allele frequency attached by ClinVar (database versions not stated): ExAC 0.00001; gnomAD 0.00002; TOPMed 0.00002; gnomAD exomes 0.00009.

Submission:

Labcorp Genetics (formerly Invitae), Labcorp
Classification: Uncertain significance. Last evaluated: 2022-09-17. Review status: criteria provided, single submitter. Criteria: Invitae Variant Classification Sherloc (09022015). Collection method: clinical testing. Allele origin: germline.
Comment: In summary, the available evidence is currently insufficient to determine the role of this variant in disease. Therefore, it has been classified as a Variant of Uncertain Significance. Advanced modeling of protein sequence and biophysical properties (such as structural, functional, and spatial information, amino acid conservation, physicochemical variation, residue mobility, and thermodynamic stability) performed at Invitae indicates that this missense variant is not expected to disrupt ERMARD protein function. This variant has not been reported in the literature in individuals affected with ERMARD-related conditions. This variant is present in population databases (rs764891278, gnomAD 0.004%). This sequence change replaces methionine, which is neutral and non-polar, with threonine, which is neutral and polar, at codon 127 of the ERMARD protein (p.Met127Thr).

NM_018341.3(ERMARD):c.380T>C (p.Met127Thr)

Gene: ERMARD (ER membrane associated RNA degradation; plus strand). Cytogenetic location: 6q27.
Variant type: single nucleotide variant.
Coding change: c.380T>C on transcript NM_018341.3 (MANE Select); coding-DNA position 380, T replaced by C.
Protein change: p.Met127Thr; replaces methionine 127 with threonine.
Molecular consequence: missense variant. On other transcripts: initiator codon variant (1).
Genome position (GRCh38, 1-based): chr6:169,756,402, T>C. VCF-style: chr6-169756402-T-C. GRCh37 (hg19) VCF-style: chr6-170156498-T-C.
Other names: c.380T>C, p.Met127Thr (NM_001278531.2, NM_001278533.2); c.2T>C, p.Met1Thr (NM_001278532.2, NM_001410957.1); short protein forms M127T, M1T.
Identifiers: ClinVar variation 2089152 (VCV002089152.5), dbSNP rs764891278, ClinGen allele CA4105821.